The following is an entry in ClinVar:

NM_001943.5(DSG2):c.1903T>C (p.Cys635Arg)

Gene: DSG2 (desmoglein 2; plus strand). Cytogenetic location: 18q12.1.
Variant type: single nucleotide variant.
Coding change: c.1903T>C on transcript NM_001943.5 (MANE Select); coding-DNA position 1903, T replaced by C.
Protein change: p.Cys635Arg; replaces cysteine 635 with arginine.
Molecular consequence: missense variant.
Genome position (GRCh38, 1-based): chr18:31,541,216, T>C. VCF-style: chr18-31541216-T-C. GRCh37 (hg19) VCF-style: chr18-29121179-T-C.
Other names: short protein forms C635R.
Identifiers: ClinVar variation 952413 (VCV000952413.12), dbSNP rs940804506, ClinGen allele CA297699701.

ClinVar aggregate classification (germline): Uncertain significance. Review status: criteria provided, multiple submitters, no conflicts (2 of 4 stars). 3 submissions from 3 submitters: Uncertain significance (3). Last evaluated 2025-09-29.

Conditions:
Cardiovascular phenotype. Identifiers: MedGen CN230736.
Arrhythmogenic right ventricular dysplasia 10. Also called: ARRHYTHMOGENIC RIGHT VENTRICULAR DYSPLASIA, FAMILIAL, 10; Arrhythmogenic right ventricular dysplasia/cardiomyopathy, type 10; Arrhythmogenic Right Ventricular Dysplasia/Cardiomyopathy10. Identifiers: MedGen C1857777, MONDO:0012434, OMIM 610193.

Allele frequency attached by ClinVar (database versions not stated): gnomAD exomes below 0.00001; TOPMed 0.00002; gnomAD 0.00003 and 0.00004.
gnomAD v4.1: 5 of 1,614,066 alleles (0.00031%); highest among the groups gnomAD compares: African/African-American, 0.0067%; no homozygotes.

Submissions (3):

Labcorp Genetics (formerly Invitae), Labcorp
Classification: Uncertain significance for Arrhythmogenic right ventricular dysplasia 10. Last evaluated: 2025-09-29. Review status: criteria provided, single submitter. Criteria: Invitae Variant Classification Sherloc (09022015). Collection method: clinical testing. Allele origin: germline.
Comment: This sequence change replaces cysteine, which is neutral and slightly polar, with arginine, which is basic and polar, at codon 635 of the DSG2 protein (p.Cys635Arg). This variant is present in population databases (no rsID available, gnomAD 0.01%). This variant has not been reported in the literature in individuals affected with DSG2-related conditions. ClinVar contains an entry for this variant (Variation ID: 952413). Invitae Evidence Modeling of protein sequence and biophysical properties (such as structural, functional, and spatial information, amino acid conservation, physicochemical variation, residue mobility, and thermodynamic stability) has been performed for this missense variant. However, the output from this modeling did not meet the statistical confidence thresholds required to predict the impact of this variant on DSG2 protein function. In summary, the available evidence is currently insufficient to determine the role of this variant in disease. Therefore, it has been classified as a Variant of Uncertain Significance.

GeneDx
Classification: Uncertain significance. Last evaluated: 2025-04-29. Review status: criteria provided, single submitter. Criteria: GeneDx Variant Classification Process June 2021. Collection method: clinical testing. Allele origin: germline. Affected: yes.
Comment: Not observed at significant frequency in large population cohorts (gnomAD); In silico analysis supports that this missense variant has a deleterious effect on protein structure/function; Has not been previously published as pathogenic or benign to our knowledge

Ambry Genetics
Classification: Uncertain significance for Cardiovascular phenotype. Last evaluated: 2022-08-17. Review status: criteria provided, single submitter. Criteria: Ambry Variant Classification Scheme 2023. Collection method: clinical testing. Allele origin: germline.
Comment: The p.C635R variant (also known as c.1903T>C), located in coding exon 13 of the DSG2 gene, results from a T to C substitution at nucleotide position 1903. The cysteine at codon 635 is replaced by arginine, an amino acid with highly dissimilar properties. This amino acid position is conserved. In addition, this alteration is predicted to be deleterious by in silico analysis. Since supporting evidence is limited at this time, the clinical significance of this alteration remains unclear.